The following is an entry in ClinVar:

ClinVar aggregate classification (germline): Uncertain significance (1 of 4 stars; one submission).

Submission:

Labcorp Genetics (formerly Invitae), Labcorp
Classification: Uncertain significance. Last evaluated: 2022-04-18. Review status: criteria provided, single submitter. Criteria: Invitae Variant Classification Sherloc (09022015). Collection method: clinical testing. Allele origin: germline.
Comment: In summary, the available evidence is currently insufficient to determine the role of this variant in disease. Therefore, it has been classified as a Variant of Uncertain Significance. Algorithms developed to predict the effect of sequence changes on RNA splicing suggest that this variant may create or strengthen a splice site. Algorithms developed to predict the effect of missense changes on protein structure and function are either unavailable or do not agree on the potential impact of this missense change (SIFT: "Deleterious"; PolyPhen-2: "Possibly Damaging"; Align-GVGD: "Class C0"). This variant has not been reported in the literature in individuals affected with FBXO11-related conditions. This variant is not present in population databases (gnomAD no frequency). This sequence change replaces cysteine, which is neutral and slightly polar, with arginine, which is basic and polar, at codon 177 of the FBXO11 protein (p.Cys177Arg).

NM_001190274.2(FBXO11):c.529T>C (p.Cys177Arg)

Gene: FBXO11 (F-box protein 11; minus strand). Cytogenetic location: 2p16.3.
Variant type: single nucleotide variant.
Coding change: c.529T>C on transcript NM_001190274.2 (MANE Select); coding-DNA position 529, T replaced by C.
Protein change: p.Cys177Arg; replaces cysteine 177 with arginine.
Molecular consequence: missense variant.
Genome position (GRCh38, 1-based): chr2:47,838,917, A>G on the plus strand (T>C on the coding strand, the complement: FBXO11 is on the minus strand). VCF-style: chr2-47838917-A-G. GRCh37 (hg19) VCF-style: chr2-48066056-A-G.
Other names: c.277T>C, p.Cys93Arg (NM_001374325.1, NM_025133.4); short protein forms C177R, C93R.
Identifiers: ClinVar variation 2127505 (VCV002127505.4), dbSNP rs2531254250, ClinGen allele CA346812951.